The following is an entry in ClinVar:

ClinVar aggregate classification (germline): Likely benign (1 of 4 stars; one submission).

Conditions:
HTT-related disorder. Also called: HTT-related condition.

Allele frequency attached by ClinVar (database versions not stated): gnomAD 0.00001.
gnomAD v4.1: 15 of 1,612,284 alleles (0.00093%); highest among the groups gnomAD compares: Non-Finnish European, 0.0013%; no homozygotes.

Submission:

PreventionGenetics, part of Exact Sciences
Classification: Likely benign for HTT-related condition. Last evaluated: 2020-04-08. Review status: criteria provided, single submitter. Criteria: ACMG Guidelines, 2015. Collection method: clinical testing. Allele origin: germline.
Comment: This variant is classified as likely benign based on ACMG/AMP sequence variant interpretation guidelines (Richards et al. 2015 PMID: 25741868, with internal and published modifications).

NM_001388492.1(HTT):c.9081G>A (p.Gly3027=)

Gene: HTT (huntingtin; plus strand). Cytogenetic location: 4p16.3.
Variant type: single nucleotide variant.
Coding change: c.9081G>A on transcript NM_001388492.1 (MANE Select); coding-DNA position 9081, G replaced by A.
Protein change: p.Gly3027=; no amino-acid change (glycine 3027 retained).
Molecular consequence: synonymous variant.
Genome position (GRCh38, 1-based): chr4:3,238,844, G>A. VCF-style: chr4-3238844-G-A. GRCh37 (hg19) VCF-style: chr4-3240571-G-A.
Other names: c.9087G>A, p.Gly3029= (NM_002111.8).
Identifiers: ClinVar variation 3046929 (VCV003046929.1), dbSNP rs1721671270, ClinGen allele CA438360191.